The following is an entry in ClinVar:

NM_006389.5(HYOU1):c.2457C>G (p.Pro819=)

Gene: HYOU1 (hypoxia up-regulated 1; minus strand). Cytogenetic location: 11q23.3.
Variant type: single nucleotide variant.
Coding change: c.2457C>G on transcript NM_006389.5 (MANE Select); coding-DNA position 2457, C replaced by G.
Protein change: p.Pro819=; no amino-acid change (proline 819 retained).
Molecular consequence: synonymous variant.
Genome position (GRCh38, 1-based): chr11:119,048,000, G>C on the plus strand (C>G on the coding strand, the complement: HYOU1 is on the minus strand). VCF-style: chr11-119048000-G-C. GRCh37 (hg19) VCF-style: chr11-118918712-G-C.
Other names: c.2457C>G, p.Pro819= (NM_001130991.3, NM_001411041.1).
Identifiers: ClinVar variation 2792342 (VCV002792342.3), dbSNP rs375264979, ClinGen allele CA2739271752.

ClinVar aggregate classification (germline): Uncertain significance (1 of 4 stars; one submission).

Submission:

Labcorp Genetics (formerly Invitae), Labcorp
Classification: Uncertain significance. Last evaluated: 2023-07-13. Review status: criteria provided, single submitter. Criteria: Invitae Variant Classification Sherloc (09022015). Collection method: clinical testing. Allele origin: germline.
Comment: This variant has not been reported in the literature in individuals affected with HYOU1-related conditions. In summary, the available evidence is currently insufficient to determine the role of this variant in disease. Therefore, it has been classified as a Variant of Uncertain Significance. This variant is not present in population databases (gnomAD no frequency). This sequence change affects codon 819 of the HYOU1 mRNA. It is a 'silent' change, meaning that it does not change the encoded amino acid sequence of the HYOU1 protein.